The following is an entry in ClinVar:

NM_001386298.1(CIC):c.4001G>A (p.Arg1334His)

Gene: CIC (capicua transcriptional repressor; plus strand). Cytogenetic location: 19q13.2.
Variant type: single nucleotide variant.
Coding change: c.4001G>A on transcript NM_001386298.1 (MANE Select); coding-DNA position 4001, G replaced by A.
Protein change: p.Arg1334His; replaces arginine 1334 with histidine.
Molecular consequence: missense variant.
Genome position (GRCh38, 1-based): chr19:42,289,320, G>A. VCF-style: chr19-42289320-G-A. GRCh37 (hg19) VCF-style: chr19-42793472-G-A.
Other names: c.4001G>A, p.Arg1334His (NM_001304815.2, NM_001379480.1, NM_001379482.1 and 1 more transcripts); c.1274G>A, p.Arg425His (NM_001379484.1, NM_001379485.1, NM_015125.5); short protein forms R1334H, R425H.
Identifiers: ClinVar variation 3050613 (VCV003050613.17), dbSNP rs201067032, ClinGen allele CA9471949.

ClinVar aggregate classification (germline): Benign. Review status: criteria provided, single submitter (1 of 4 stars). 2 submissions from 2 submitters: Benign (1). 1 of the submissions does not count toward it. Last evaluated 2024-08-01.

Conditions:
CIC-related disorder. Also called: CIC-related condition.

Allele frequency attached by ClinVar (database versions not stated): TOPMed 0.00008; gnomAD 0.00013; ExAC 0.00025; gnomAD exomes 0.00027.
gnomAD v4.1: 419 of 1,613,938 alleles (0.026%); highest among the groups gnomAD compares: South Asian, 0.059%; 2 homozygotes.

Submissions (2):

CeGaT Center for Human Genetics Tuebingen
Classification: Benign. Last evaluated: 2024-08-01. Review status: criteria provided, single submitter. Criteria: CeGaT Center For Human Genetics Tuebingen Variant Classification Criteria Version 2. Collection method: clinical testing. Allele origin: germline. Affected: yes. Observed: 1 variant allele.
Comment: CIC: BS1, BS2

PreventionGenetics, part of Exact Sciences
Classification: Likely benign for CIC-related condition. Last evaluated: 2019-07-23. Review status: no assertion criteria provided. Collection method: clinical testing. Allele origin: germline. Not counted in ClinVar's aggregate classification.
Comment: This variant is classified as likely benign based on ACMG/AMP sequence variant interpretation guidelines (Richards et al. 2015 PMID: 25741868, with internal and published modifications).